The following is an entry in ClinVar:

ClinVar aggregate classification (germline): Uncertain significance. Review status: criteria provided, multiple submitters, no conflicts (2 of 4 stars). 15 submissions from 15 submitters: Uncertain significance (13). 2 of the submissions do not count toward it. Last evaluated 2025-08-12.

Conditions:
CFTR-related disorder (CFTR-RD). Also called: CFTR-related condition; CFTR-related disorders. Identifiers: MedGen C5924204, MONDO:7770004.
Cystic fibrosis (CF). Also called: MUCOVISCIDOSIS. Identifiers: Orphanet 586, MedGen C0010674, MONDO:0009061, OMIM 219700. Disease mechanism: loss of function.
Hereditary pancreatitis (PCTT). Also called: PRSS1-Related Hereditary Pancreatitis; Hereditary chronic pancreatitis. Identifiers: Orphanet 676, MedGen C0238339, MONDO:0008185, OMIM 167800.
Bronchiectasis with or without elevated sweat chloride 1 (BESC1). Also called: Cystic Fibrosis-Like Syndrome. Identifiers: Orphanet 60033, MedGen C2749757, MONDO:0008887, OMIM 211400.
Congenital bilateral aplasia of vas deferens from CFTR mutation (CBAVD). Identifiers: Orphanet 48, MedGen C0403814, MONDO:0010178, OMIM 277180. Disease mechanism: loss of function.

Allele frequency attached by ClinVar (database versions not stated): gnomAD exomes 0.00021 and 0.00009; TOPMed 0.00009; ExAC 0.00010; gnomAD 0.00012; ESP Exome Variant Server 0.00015.
gnomAD v4.1: 321 of 1,613,186 alleles (0.02%); highest among the groups gnomAD compares: Non-Finnish European, 0.026%; no homozygotes.

Submissions 1 to 10 of 15:

Women's Health and Genetics/Laboratory Corporation of America, LabCorp
Classification: Uncertain significance. Last evaluated: 2025-08-12. Review status: criteria provided, single submitter. Criteria: LabCorp Variant Classification Summary - May 2015. Collection method: clinical testing. Allele origin: germline.
Comment: Variant summary: CFTR c.1270G>A (p.Gly424Ser) results in a non-conservative amino acid change located in the ABC transporter-like, ATP-binding domain (IPR003439) of the encoded protein sequence. Algorithms developed to predict the effect of missense changes on protein structure and function are either unavailable or do not agree on the potential impact of this missense change. The variant allele was found at a frequency of 9.7e-05 in 247118 control chromosomes. This frequency is not significantly higher than estimated for a pathogenic variant in CFTR causing Non-Classic Cystic Fibrosis (9.7e-05 vs 0.013), allowing no conclusion about variant significance. c.1270G>A has been reported in the literature in individuals affected with clinical features of Non-Classic Cystic Fibrosis (e.g., Puechal_2011, Tamura_2018, Raraigh_2022). These reports do not provide unequivocal conclusions about association of the variant with CFTR-related conditions. At least one publication reports that this variant reduced inclusion of exon 9 in a mini-gene assay to approximately 40-50% of levels observed for a wild type control, however the wild type background also demonstrated exon 9 skipping (Pagani_2003). Additionally, another publication reports this variant resulted in approximately 45% of normal chloride channel conductance relative to wild type (Bihler_2024). The following publications have been ascertained in the context of this evaluation (PMID: 34782259, 29669919, 28603918, 25735457, 23420618, 21131649, 16251901, 15536480, 12732620, 11504857, 38388235). ClinVar contains an entry for this variant (Variation ID: 286406). Based on the evidence outlined above, the variant was classified as VUS-possibly pathogenic.

Mayo Clinic Laboratories, Mayo Clinic
Classification: Uncertain significance. Last evaluated: 2025-04-14. Review status: criteria provided, single submitter. Criteria: ACMG Guidelines, 2015. Collection method: clinical testing. Allele origin: germline. Observed: 1 variant allele.
Comment: PM2_supporting

PreventionGenetics, part of Exact Sciences
Classification: Uncertain significance for CFTR-related condition. Last evaluated: 2025-04-04. Review status: criteria provided, single submitter. Criteria: ACMG Guidelines, 2015. Collection method: clinical testing. Allele origin: germline.
Comment: The CFTR c.1270G>A variant is predicted to result in the amino acid substitution p.Gly424Ser. This variant has been reported in two related individuals with bronchiectasis and rheumatoid arthritis but did not fully co-segregate with disease in the family (Puéchal et al. 2011. PubMed ID: 21131649). It has also been reported in an individual with pancreatitis in the CFTR-France database and in two individuals with pancreatic cancer (Tamura et al. 2018. PubMed ID: 29669919). A single p.Gly424Ser allele was also observed in a large cystic fibrosis cohort (Table S1, Raraigh et al. 2022. PubMed ID: 34782259). In vitro functional study found that CFTR protein containing the p.Gly424Ser variant had partially reduced chloride channel conductance (~45%) relative to wild type (Bihler et al. 2024. PubMed ID: 38388235). This variant is reported in 0.015% of alleles in individuals of European (non-Finnish) descent in gnomAD. At this time, the clinical significance of this variant is uncertain due to the absence of conclusive functional and genetic evidence.

Blueprint Genetics
Classification: Uncertain significance. Last evaluated: 2024-09-10. Review status: criteria provided, single submitter. Criteria: ACMG Guidelines, 2015. Collection method: clinical testing. Allele origin: germline.

Ambry Genetics
Classification: Uncertain significance for Cystic fibrosis. Last evaluated: 2024-01-17. Review status: criteria provided, single submitter. Criteria: Ambry Variant Classification Scheme 2023. Collection method: clinical testing. Allele origin: germline.
Comment: The p.G424S variant (also known as c.1270G>A), located in coding exon 10 of the CFTR gene, results from a G to A substitution at nucleotide position 1270. The glycine at codon 424 is replaced by serine, an amino acid with similar properties. This alteration was reported in two related individuals with diffuse bronchiectasis and rheumatoid arthritis; one of the individuals also carried the p.G576A alteration but the phase was unclear (Pu&eacute;chal X. et al., Ann. Rheum. Dis. 2011 Apr; 70(4):653-9). One study of Hep3B cells transfected with this alteration showed some mRNA transcripts with skipping of exon 9 in addition to wild type mRNA transcripts (Pagani F et al., J. Biol. Chem. 2003 Jul; 278(29):26580-8). This amino acid position is poorly conserved in available vertebrate species. In addition, the in silico prediction for this alteration is inconclusive. Since supporting evidence is limited at this time, the clinical significance of this alteration remains unclear.

GeneDx
Classification: Uncertain significance. Last evaluated: 2022-06-02. Review status: criteria provided, single submitter. Criteria: GeneDx Variant Classification Process June 2021. Collection method: clinical testing. Allele origin: germline. Affected: yes.
Comment: Identified in the single heterozygous state or with a second CFTR variant, phase unknown, in an asymptomatic individual and individuals with bronchiectasis (Puchal et al., 2011; Claustres et al., 2017); In silico analysis supports that this missense variant does not alter protein structure/function; This variant is associated with the following publications: (PMID: 25735457, 12732620, 11504857, 23420618, 21131649, 29669919, 15536480, 16251901, 28603918)

Fulgent Genetics
Classification: Uncertain significance for Hereditary pancreatitis; Bronchiectasis with or without elevated sweat chloride 1; Cystic fibrosis; Congenital bilateral aplasia of vas deferens from CFTR mutation. Last evaluated: 2022-05-25. Review status: criteria provided, single submitter. Criteria: ACMG Guidelines, 2015. Collection method: clinical testing. Allele origin: unknown.

Labcorp Genetics (formerly Invitae), Labcorp
Classification: Uncertain significance for Cystic fibrosis. Last evaluated: 2022-04-04. Review status: criteria provided, single submitter. Criteria: Invitae Variant Classification Sherloc (09022015). Collection method: clinical testing. Allele origin: germline.
Comment: This sequence change replaces glycine, which is neutral and non-polar, with serine, which is neutral and polar, at codon 424 of the CFTR protein (p.Gly424Ser). The frequency data for this variant in the population databases is considered unreliable, as metrics indicate poor data quality at this position in the gnomAD database. This missense change has been observed in individual(s) with rheumatoid arthritis and bronchiectasis (PMID: 21131649). ClinVar contains an entry for this variant (Variation ID: 286406). Algorithms developed to predict the effect of missense changes on protein structure and function (SIFT, PolyPhen-2, Align-GVGD) all suggest that this variant is likely to be tolerated. Experimental studies are conflicting or provide insufficient evidence to determine the effect of this variant on CFTR function (PMID: 12732620). In summary, the available evidence is currently insufficient to determine the role of this variant in disease. Therefore, it has been classified as a Variant of Uncertain Significance.

Genome-Nilou Lab
Classification: Uncertain significance for Cystic fibrosis. Last evaluated: 2021-09-05. Review status: criteria provided, single submitter. Criteria: ACMG Guidelines, 2015. Collection method: clinical testing. Allele origin: germline. Affected: no.

Johns Hopkins Genomics, Johns Hopkins University
Classification: Uncertain significance for Cystic fibrosis. Last evaluated: 2019-10-19. Review status: criteria provided, single submitter. Criteria: ACMG Guidelines, 2015. Collection method: clinical testing. Allele origin: germline.
Comment: This CFTR variant (rs371107552) is rare (<0.1%) in large population datasets1,2 (gnomAD: 24/277606 total alleles; 0.0087%, no homozygotes). Six submitters in ClinVar classify the clinical significance of this variant as uncertain. One study has demonstrated that CFTR c.1270G>A may decrease inclusion of exon 10 (legacy exon 9) during splicing; however, bioinformatics tools do not predict this variant will alter typical splicing patterns. Two bioinformatics tools predict this amino acid substitution will be tolerated. The glycine residue at this position is not well conserved across species assessed. Due to insufficient evidence, we consider the clinical significance of c.1270G>A uncertain at this time.

NM_000492.4(CFTR):c.1270G>A (p.Gly424Ser)

Genes: CFTR (CF transmembrane conductance regulator; plus strand), CFTR-AS1 (CFTR antisense RNA 1; minus strand). Cytogenetic location: 7q31.2.
Variant type: single nucleotide variant.
Coding change: c.1270G>A on transcript NM_000492.4 (MANE Select); coding-DNA position 1270, G replaced by A.
Protein change: p.Gly424Ser; replaces glycine 424 with serine.
Molecular consequence: missense variant.
Genome position (GRCh38, 1-based): chr7:117,548,701, G>A. VCF-style: chr7-117548701-G-A. GRCh37 (hg19) VCF-style: chr7-117188755-G-A.
Other names: short protein forms G424S.
Identifiers: ClinVar variation 286406 (VCV000286406.38), dbSNP rs371107552, ClinGen allele CA4450965.